The following is an entry in ClinVar:

NM_001199267.2(DGKZ):c.162-729G>C

Gene: DGKZ (diacylglycerol kinase zeta; plus strand). Cytogenetic location: 11p11.2.
Variant type: single nucleotide variant.
Coding change: c.162-729G>C on transcript NM_001199267.2 (MANE Select); 729 bases into the intron before coding-DNA position 162, G replaced by C.
Molecular consequence: intron variant. On other transcripts: missense variant (1).
Genome position (GRCh38, 1-based): chr11:46,366,562, G>C. VCF-style: chr11-46366562-G-C. GRCh37 (hg19) VCF-style: chr11-46388112-G-C.
Other names: c.306G>C, p.Gln102His (NM_001105540.2); c.213-729G>C (NM_201532.3); c.177-729G>C (NM_201533.3); c.162-729G>C (NM_001199266.2, NM_003646.4, NM_001199268.2); short protein forms Q102H.
Identifiers: ClinVar variation 4765319 (VCV004765319.1).

ClinVar aggregate classification (germline): Uncertain significance (1 of 4 stars; one submission).

gnomAD v4.1: 5 of 1,603,614 alleles (0.00031%); highest among the groups gnomAD compares: Non-Finnish European, 0.00043%; no homozygotes.

Submission:

Labcorp Genetics (formerly Invitae), Labcorp
Classification: Uncertain significance. Last evaluated: 2025-10-06. Review status: criteria provided, single submitter. Criteria: Invitae Variant Classification Sherloc (09022015). Collection method: clinical testing. Allele origin: germline.
Comment: This sequence change replaces glutamine, which is neutral and polar, with histidine, which is basic and polar, at codon 102 of the DGKZ protein (p.Gln102His). This variant is present in population databases (rs764155955, gnomAD 0.001%). This variant has not been reported in the literature in individuals affected with DGKZ-related conditions. An algorithm developed to predict the effect of missense changes on protein structure and function outputs the following: PolyPhen-2: "Benign". The histidine amino acid residue is found in multiple mammalian species, which suggests that this missense change does not adversely affect protein function. In summary, the available evidence is currently insufficient to determine the role of this variant in disease. Therefore, it has been classified as a Variant of Uncertain Significance.